The following is an entry in ClinVar:

ClinVar aggregate classification (germline): Likely benign. Review status: criteria provided, multiple submitters, no conflicts (2 of 4 stars). 4 submissions from 4 submitters: Likely benign (4). Last evaluated 2025-12-30.

Allele frequency attached by ClinVar (database versions not stated): ESP Exome Variant Server 0.00008; gnomAD exomes 0.00017 and 0.00023; TOPMed 0.00018; gnomAD 0.00019; ExAC 0.00023.
gnomAD v4.1: 288 of 1,613,674 alleles (0.018%); highest among the groups gnomAD compares: Middle Eastern, 0.64%; 1 homozygote.

Submissions (4):

Labcorp Genetics (formerly Invitae), Labcorp
Classification: Likely benign. Last evaluated: 2025-12-30. Review status: criteria provided, single submitter. Criteria: Invitae Variant Classification Sherloc (09022015). Collection method: clinical testing. Allele origin: germline.

Blueprint Genetics
Classification: Likely benign. Last evaluated: 2024-11-25. Review status: criteria provided, single submitter. Criteria: ACMG Guidelines, 2015. Collection method: clinical testing. Allele origin: germline.

GeneDx
Classification: Likely benign. Last evaluated: 2018-01-17. Review status: criteria provided, single submitter. Criteria: GeneDx Variant Classification (06012015). Collection method: clinical testing. Allele origin: germline. Affected: yes.
Comment: This variant is considered likely benign or benign based on one or more of the following criteria: it is a conservative change, it occurs at a poorly conserved position in the protein, it is predicted to be benign by multiple in silico algorithms, and/or has population frequency not consistent with disease.

Breakthrough Genomics
Classification: Likely benign. Review status: criteria provided, single submitter. Criteria: ACMG Guidelines, 2015. Collection method: not provided. Allele origin: germline. Inheritance: Autosomal recessive inheritance. Affected: yes.

NM_207346.3(TSEN54):c.521+19C>T

Gene: TSEN54 (tRNA splicing endonuclease subunit 54; plus strand). Cytogenetic location: 17q25.1.
Variant type: single nucleotide variant.
Coding change: c.521+19C>T on transcript NM_207346.3 (MANE Select); 19 bases into the intron after coding-DNA position 521, C replaced by T.
Molecular consequence: intron variant.
Genome position (GRCh38, 1-based): chr17:75,519,066, C>T. VCF-style: chr17-75519066-C-T. GRCh37 (hg19) VCF-style: chr17-73515147-C-T.
Identifiers: ClinVar variation 514932 (VCV000514932.11), dbSNP rs201826966, ClinGen allele CA8764164.